The following is an entry in ClinVar:

ClinVar aggregate classification (germline): Uncertain significance (1 of 4 stars; one submission).

Conditions:
Spastic paraplegia. Identifiers: MedGen C0037772, HP:0001258.

Submission:

Labcorp Genetics (formerly Invitae), Labcorp
Classification: Uncertain significance for Spastic paraplegia. Last evaluated: 2021-01-08. Review status: criteria provided, single submitter. Criteria: Invitae Variant Classification Sherloc (09022015). Collection method: clinical testing. Allele origin: germline.
Comment: Algorithms developed to predict the effect of missense changes on protein structure and function are either unavailable or do not agree on the potential impact of this missense change (SIFT: "Deleterious"; PolyPhen-2: "Probably Damaging"; Align-GVGD: "Class C0"). In summary, the available evidence is currently insufficient to determine the role of this variant in disease. Therefore, it has been classified as a Variant of Uncertain Significance. This variant has not been reported in the literature in individuals with HSPD1-related conditions. This variant is not present in population databases (ExAC no frequency). This sequence change replaces asparagine with histidine at codon 103 of the HSPD1 protein (p.Asn103His). The asparagine residue is moderately conserved and there is a small physicochemical difference between asparagine and histidine.

NM_002156.5(HSPD1):c.307A>C (p.Asn103His)

Gene: HSPD1 (heat shock protein family D (Hsp60) member 1; minus strand). Cytogenetic location: 2q33.1.
Variant type: single nucleotide variant.
Coding change: c.307A>C on transcript NM_002156.5 (MANE Select); coding-DNA position 307, A replaced by C.
Protein change: p.Asn103His; replaces asparagine 103 with histidine.
Molecular consequence: missense variant.
Genome position (GRCh38, 1-based): chr2:197,497,260, T>G on the plus strand (A>C on the coding strand, the complement: HSPD1 is on the minus strand). VCF-style: chr2-197497260-T-G. GRCh37 (hg19) VCF-style: chr2-198361984-T-G.
Other names: c.307A>C, p.Asn103His (NM_199440.2); short protein forms N103H.
Identifiers: ClinVar variation 1393576 (VCV001393576.8), dbSNP rs2106079220, ClinGen allele CA350203727.
Genomic context (GRCh38, chr2:197,497,260, plus strand): 5'-TAGAGCGTGCCAGTACAGTAGCAGTGGTAGTGCCATCCCCAGCTTCTTCATTTGTGTTAT[T>G]GGCAACATCTTGAACAAGTTTAGCTCCAATGTTTTTGTATTTATCTTTTAAGTCAATTGA-3'
Protein context (NP_002147.2, residues 93-113): IGAKLVQDVA[Asn103His]NTNEEAGDGT